The following is an entry in ClinVar:

NM_004614.5(TK2):c.689C>T (p.Ala230Val)

Gene: TK2 (thymidine kinase 2; minus strand). Cytogenetic location: 16q21.
Variant type: single nucleotide variant.
Coding change: c.689C>T on transcript NM_004614.5 (MANE Select); coding-DNA position 689, C replaced by T.
Protein change: p.Ala230Val; replaces alanine 230 with valine.
Molecular consequence: missense variant. On other transcripts: non-coding transcript variant (1).
Genome position (GRCh38, 1-based): chr16:66,513,741, G>A on the plus strand (C>T on the coding strand, the complement: TK2 is on the minus strand). VCF-style: chr16-66513741-G-A. GRCh37 (hg19) VCF-style: chr16-66547644-G-A.
Other names: c.596C>T, p.Ala199Val (NM_001172643.1); c.614C>T, p.Ala205Val (NM_001172644.2); c.635C>T, p.Ala212Val (NM_001172645.2); c.542C>T, p.Ala181Val (NM_001271934.2); c.427C>T, p.Pro143Ser (NM_001271935.1); c.398C>T, p.Ala133Val (NM_001272050.2); short protein forms A181V, A230V, P143S, A133V, A199V, A205V, A212V.
Identifiers: ClinVar variation 2123450 (VCV002123450.1), dbSNP rs1597073994, ClinGen allele CA396187054.

ClinVar aggregate classification (germline): Uncertain significance (1 of 4 stars; one submission).

Allele frequency attached by ClinVar (database versions not stated): gnomAD exomes below 0.00001.
gnomAD v4.1: 2 of 1,613,894 alleles (0.00012%); highest among the groups gnomAD compares: Non-Finnish European, 0.00017%; no homozygotes.

Submission:

Labcorp Genetics (formerly Invitae), Labcorp
Classification: Uncertain significance. Last evaluated: 2022-08-22. Review status: criteria provided, single submitter. Criteria: Invitae Variant Classification Sherloc (09022015). Collection method: clinical testing. Allele origin: germline.
Comment: This sequence change replaces alanine, which is neutral and non-polar, with valine, which is neutral and non-polar, at codon 230 of the TK2 protein (p.Ala230Val). This variant is not present in population databases (gnomAD no frequency). This variant has not been reported in the literature in individuals affected with TK2-related conditions. Algorithms developed to predict the effect of missense changes on protein structure and function are either unavailable or do not agree on the potential impact of this missense change (SIFT: "Tolerated"; PolyPhen-2: "Probably Damaging"; Align-GVGD: "Class C0"). In summary, the available evidence is currently insufficient to determine the role of this variant in disease. Therefore, it has been classified as a Variant of Uncertain Significance.